The following is an entry in ClinVar:

NM_001065.4(TNFRSF1A):c.768+42del

Gene: TNFRSF1A (TNF receptor superfamily member 1A; minus strand). Cytogenetic location: 12p13.31.
Variant type: Deletion.
Coding change: c.768+42del on transcript NM_001065.4 (MANE Select); 42 bases into the intron after coding-DNA position 768, one base deleted (A; older notation c.768+42delA).
Molecular consequence: intron variant.
Genome position (GRCh38, 1-based): chr12:6,330,225, T deleted on the plus strand (A on the coding strand, the reverse complement: TNFRSF1A is on the minus strand). VCF-style (leftmost placement, unchanged base first): chr12-6330224-AT-A. GRCh37 (hg19) VCF-style: chr12-6439390-AT-A.
Other names: c.444+42del (NM_001346091.2); c.309+42del (NM_001346092.2); c.768+42delA (NM_001065.3).
Identifiers: ClinVar variation 675221 (VCV000675221.1), dbSNP rs56222180, ClinGen allele CA6405368.

ClinVar aggregate classification (germline): Likely benign (1 of 4 stars; one submission).

Allele frequency attached by ClinVar (database versions not stated): 1000 Genomes Project 0.00459; 1000 Genomes Project 30x 0.00531; TOPMed 0.01026; gnomAD 0.01135 and 0.01198; gnomAD exomes 0.01216 and 0.01724; ExAC 0.01324; ESP Exome Variant Server 0.01334.

Submission:

GeneDx
Classification: Likely benign. Last evaluated: 2018-06-16. Review status: criteria provided, single submitter. Criteria: GeneDx Variant Classification (06012015). Collection method: clinical testing. Allele origin: germline. Affected: yes.
Comment: This variant is considered likely benign or benign based on one or more of the following criteria: it is a conservative change, it occurs at a poorly conserved position in the protein, it is predicted to be benign by multiple in silico algorithms, and/or has population frequency not consistent with disease.